The following is an entry in ClinVar:

NM_002469.3(MYF6):c.91T>C (p.Ser31Pro)

Gene: MYF6 (myogenic factor 6; plus strand). Cytogenetic location: 12q21.31.
Variant type: single nucleotide variant.
Coding change: c.91T>C on transcript NM_002469.3 (MANE Select); coding-DNA position 91, T replaced by C.
Protein change: p.Ser31Pro; replaces serine 31 with proline.
Molecular consequence: missense variant.
Genome position (GRCh38, 1-based): chr12:80,707,810, T>C. VCF-style: chr12-80707810-T-C. GRCh37 (hg19) VCF-style: chr12-81101589-T-C.
Other names: short protein forms S31P.
Identifiers: ClinVar variation 1434904 (VCV001434904.9), dbSNP rs1443837642, ClinGen allele CA385861063.

ClinVar aggregate classification (germline): Uncertain significance (1 of 4 stars; one submission).

Conditions:
Autosomal dominant centronuclear myopathy. Also called: MYOTUBULAR MYOPATHY, AUTOSOMAL DOMINANT; Myopathy, centronuclear, 3. Identifiers: Orphanet 169189, MedGen C4551952, MeSH D020914, MONDO:0008048, OMIM 160150.

Allele frequency attached by ClinVar (database versions not stated): gnomAD 0.00001; TOPMed 0.00001.

Submission:

Labcorp Genetics (formerly Invitae), Labcorp
Classification: Uncertain significance for Autosomal dominant centronuclear myopathy. Last evaluated: 2022-06-20. Review status: criteria provided, single submitter. Criteria: Invitae Variant Classification Sherloc (09022015). Collection method: clinical testing. Allele origin: germline.
Comment: In summary, the available evidence is currently insufficient to determine the role of this variant in disease. Therefore, it has been classified as a Variant of Uncertain Significance. Algorithms developed to predict the effect of missense changes on protein structure and function are either unavailable or do not agree on the potential impact of this missense change (SIFT: "Tolerated"; PolyPhen-2: "Probably Damaging"; Align-GVGD: "Class C0"). This variant has not been reported in the literature in individuals affected with MYF6-related conditions. This variant is present in population databases (no rsID available, gnomAD 0.007%). This sequence change replaces serine, which is neutral and polar, with proline, which is neutral and non-polar, at codon 31 of the MYF6 protein (p.Ser31Pro).